The following is an entry in ClinVar:

ClinVar aggregate classification (germline): Uncertain significance. Review status: criteria provided, multiple submitters, no conflicts (2 of 4 stars). 3 submissions from 3 submitters: Uncertain significance (3). Last evaluated 2025-04-23.

Conditions:
Spondylometaphyseal dysplasia - Sutcliffe type. Also called: Spondylometaphyseal dysplasia, 'corner fracture' type; Spondylometaphyseal Dysplasia, Corner Fracture Type; Sutcliffe type of spondylometaphyseal dysplasia; Sutcliffe SMD. Identifiers: Orphanet 93315, MedGen C0432221, MONDO:0008479, OMIM 184255.
Glomerulopathy with fibronectin deposits 2 (GFND2). Identifiers: Orphanet 84090, MedGen C1866075, MONDO:0011165, OMIM 601894.

Allele frequency attached by ClinVar (database versions not stated): ExAC 0.00003; gnomAD exomes 0.00004; ESP Exome Variant Server 0.00008; TOPMed 0.00008; gnomAD 0.00009 and 0.00010.
gnomAD v4.1: 69 of 1,613,942 alleles (0.0043%); highest among the groups gnomAD compares: Non-Finnish European, 0.0057%; no homozygotes.

Submissions (3):

Labcorp Genetics (formerly Invitae), Labcorp
Classification: Uncertain significance. Last evaluated: 2025-04-23. Review status: criteria provided, single submitter. Criteria: Invitae Variant Classification Sherloc (09022015). Collection method: clinical testing. Allele origin: germline.
Comment: This sequence change replaces glutamine, which is neutral and polar, with arginine, which is basic and polar, at codon 603 of the FN1 protein (p.Gln603Arg). This variant is present in population databases (rs200304359, gnomAD 0.009%). This variant has not been reported in the literature in individuals affected with FN1-related conditions. ClinVar contains an entry for this variant (Variation ID: 1503084). An algorithm developed to predict the effect of missense changes on protein structure and function (PolyPhen-2) suggests that this variant is likely to be tolerated. In summary, the available evidence is currently insufficient to determine the role of this variant in disease. Therefore, it has been classified as a Variant of Uncertain Significance.

Fulgent Genetics
Classification: Uncertain significance for Spondylometaphyseal dysplasia - Sutcliffe type; Glomerulopathy with fibronectin deposits 2. Last evaluated: 2024-01-09. Review status: criteria provided, single submitter. Criteria: ACMG Guidelines, 2015. Collection method: clinical testing. Allele origin: germline.

Breakthrough Genomics
Classification: Uncertain significance. Review status: criteria provided, single submitter. Criteria: ACMG Guidelines, 2015. Collection method: not provided. Allele origin: germline. Inheritance: Autosomal dominant inheritance. Affected: yes.

NM_212482.4(FN1):c.1808A>G (p.Gln603Arg)

Gene: FN1 (fibronectin 1; minus strand). Cytogenetic location: 2q35.
Variant type: single nucleotide variant.
Coding change: c.1808A>G on transcript NM_212482.4 (MANE Select); coding-DNA position 1808, A replaced by G.
Protein change: p.Gln603Arg; replaces glutamine 603 with arginine.
Molecular consequence: missense variant.
Genome position (GRCh38, 1-based): chr2:215,419,253, T>C on the plus strand (A>G on the coding strand, the complement: FN1 is on the minus strand). VCF-style: chr2-215419253-T-C. GRCh37 (hg19) VCF-style: chr2-216283976-T-C.
Other names: c.1808A>G, p.Gln603Arg (NM_001306129.2, NM_001306130.2, NM_001306131.2 and 14 more transcripts); short protein forms Q603R.
Identifiers: ClinVar variation 1503084 (VCV001503084.10), dbSNP rs200304359, ClinGen allele CA2095168.